The following is an entry in ClinVar:

ClinVar aggregate classification (germline): Likely benign. Review status: criteria provided, multiple submitters, no conflicts (2 of 4 stars). 2 submissions from 2 submitters: Likely benign (2). Last evaluated 2024-02-01.

Allele frequency attached by ClinVar (database versions not stated): TOPMed below 0.00001; ExAC 0.00001; gnomAD 0.00001; gnomAD exomes 0.00002.
gnomAD v4.1: 39 of 1,606,816 alleles (0.0024%); highest among the groups gnomAD compares: Non-Finnish European, 0.003%; no homozygotes.

Submissions (2):

CeGaT Center for Human Genetics Tuebingen
Classification: Likely benign. Last evaluated: 2024-02-01. Review status: criteria provided, single submitter. Criteria: CeGaT Center For Human Genetics Tuebingen Variant Classification Criteria Version 2. Collection method: clinical testing. Allele origin: germline. Affected: yes. Observed: 1 variant allele.
Comment: HK1: BP4, BP7

Blueprint Genetics
Classification: Likely benign. Last evaluated: 2021-07-19. Review status: criteria provided, single submitter. Criteria: ACMG Guidelines, 2015. Collection method: clinical testing. Allele origin: germline.

NM_001358263.1(HK1):c.57T>C (p.His19=)

Gene: HK1 (hexokinase 1; plus strand). Cytogenetic location: 10q22.1.
Variant type: single nucleotide variant.
Coding change: c.57T>C on transcript NM_001358263.1 (MANE Plus Clinical); coding-DNA position 57, T replaced by C.
Protein change: p.His19=; no amino-acid change (histidine 19 retained).
Molecular consequence: synonymous variant. On other transcripts: 5 prime UTR variant (1).
Genome position (GRCh38, 1-based): chr10:69,295,662, T>C. VCF-style: chr10-69295662-T-C. GRCh37 (hg19) VCF-style: chr10-71055418-T-C.
Other names: c.57T>C, p.His19= (NM_001322364.2, NM_033497.3, NM_033498.3); c.150T>C, p.His50= (NM_001322365.2); c.-85T>C (NM_033500.2).
Identifiers: ClinVar variation 3027188 (VCV003027188.21), dbSNP rs751250199, ClinGen allele CA5532095.